The following is an entry in ClinVar:

NM_001040716.2(PC):c.1021G>T (p.Asp341Tyr)

Genes: PC (pyruvate carboxylase; minus strand), LOC130006142 (ATAC-STARR-seq lymphoblastoid active region 5058; plus strand). Cytogenetic location: 11q13.2.
Variant type: single nucleotide variant.
Coding change: c.1021G>T on transcript NM_001040716.2 (MANE Select); coding-DNA position 1021, G replaced by T.
Protein change: p.Asp341Tyr; replaces aspartic acid 341 with tyrosine.
Molecular consequence: missense variant.
Genome position (GRCh38, 1-based): chr11:66,868,847, C>A on the plus strand (G>T on the coding strand, the complement: PC is on the minus strand). VCF-style: chr11-66868847-C-A. GRCh37 (hg19) VCF-style: chr11-66636318-C-A.
Other names: c.1021G>T, p.Asp341Tyr (NM_000920.4, NM_022172.3); short protein forms D341Y.
Identifiers: ClinVar variation 1421180 (VCV001421180.8), dbSNP rs370810518, ClinGen allele CA6132037.

ClinVar aggregate classification (germline): Uncertain significance (1 of 4 stars; one submission).

Conditions:
Pyruvate carboxylase deficiency. Also called: Pyruvate Carboxylase Deficiency Disease; LEIGH NECROTIZING ENCEPHALOPATHY DUE TO PYRUVATE CARBOXYLASE DEFICIENCY; LEIGH SYNDROME DUE TO PYRUVATE CARBOXYLASE DEFICIENCY; ATAXIA WITH LACTIC ACIDOSIS II; PC DEFICIENCY. Identifiers: Orphanet 3008, MedGen C0034341, MONDO:0009949, OMIM 266150.

gnomAD v4.1: 1 of 1,611,180 alleles (0.000062%); highest among the groups gnomAD compares: Non-Finnish European, 0.000085%; no homozygotes.

Submission:

Labcorp Genetics (formerly Invitae), Labcorp
Classification: Uncertain significance for Pyruvate carboxylase deficiency. Last evaluated: 2021-12-02. Review status: criteria provided, single submitter. Criteria: Invitae Variant Classification Sherloc (09022015). Collection method: clinical testing. Allele origin: germline.
Comment: This sequence change replaces aspartic acid, which is acidic and polar, with tyrosine, which is neutral and polar, at codon 341 of the PC protein (p.Asp341Tyr). This variant is present in population databases (rs370810518, gnomAD 0.007%). This variant has not been reported in the literature in individuals affected with PC-related conditions. Algorithms developed to predict the effect of missense changes on protein structure and function (SIFT, PolyPhen-2, Align-GVGD) all suggest that this variant is likely to be tolerated. In summary, the available evidence is currently insufficient to determine the role of this variant in disease. Therefore, it has been classified as a Variant of Uncertain Significance.